The following is an entry in ClinVar:

ClinVar aggregate classification (germline): Likely benign (1 of 4 stars; one submission).

Allele frequency attached by ClinVar (database versions not stated): ExAC 0.00210; 1000 Genomes Project 0.00419; gnomAD 0.00422; 1000 Genomes Project 30x 0.00437; TOPMed 0.00474.
gnomAD v4.1: 1,029 of 910,248 alleles (0.11%); highest among the groups gnomAD compares: African/African-American, 1.5%; 4 homozygotes.

Submission:

CeGaT Center for Human Genetics Tuebingen
Classification: Likely benign. Last evaluated: 2024-01-01. Review status: criteria provided, single submitter. Criteria: CeGaT Center For Human Genetics Tuebingen Variant Classification Criteria Version 2. Collection method: clinical testing. Allele origin: germline. Affected: yes. Observed: 3 variant alleles.
Comment: CAMK2A: PP2, BS1

NM_015981.4(CAMK2A):c.*144G>C

Gene: CAMK2A (calcium/calmodulin dependent protein kinase II alpha; minus strand). Cytogenetic location: 5q32.
Variant type: single nucleotide variant.
Coding change: c.*144G>C on transcript NM_015981.4 (MANE Select); 144 bases downstream of the stop codon, G replaced by C.
Molecular consequence: 3 prime UTR variant.
Genome position (GRCh38, 1-based): chr5:150,222,566, C>G on the plus strand (G>C on the coding strand, the complement: CAMK2A is on the minus strand). VCF-style: chr5-150222566-C-G. GRCh37 (hg19) VCF-style: chr5-149602129-C-G.
Other names: c.*144G>C (NM_001363989.1, NM_001363990.1, NM_171825.3); c.*173G>C (NM_001369025.2).
Identifiers: ClinVar variation 2655915 (VCV002655915.24), dbSNP rs151118217, ClinGen allele CA3509431.